The following is an entry in ClinVar:

ClinVar aggregate classification (germline): Likely benign. Review status: criteria provided, multiple submitters, no conflicts (2 of 4 stars). 2 submissions from 2 submitters: Likely benign (2). Last evaluated 2024-01-02.

Allele frequency attached by ClinVar (database versions not stated): TOPMed 0.00002.
gnomAD v4.1: 15 of 1,613,536 alleles (0.00093%); highest among the groups gnomAD compares: Non-Finnish European, 0.0013%; no homozygotes.

Submissions (2):

Labcorp Genetics (formerly Invitae), Labcorp
Classification: Likely benign. Last evaluated: 2024-01-02. Review status: criteria provided, single submitter. Criteria: Invitae Variant Classification Sherloc (09022015). Collection method: clinical testing. Allele origin: germline.

Laboratory for Molecular Medicine, Mass General Brigham Personalized Medicine
Classification: Likely benign. Last evaluated: 2012-11-29. Review status: criteria provided, single submitter. Criteria: LMM Criteria. Collection method: clinical testing. Allele origin: germline. Observed: 1 variant allele.
Comment: Ser248Ser in exon 2 of DFNB31: This variant is not expected to have clinical sig nificance because it does not alter an amino acid residue and it is not located within the splice consensus sequence.

NM_015404.4(WHRN):c.744G>A (p.Ser248=)

Gene: WHRN (whirlin; minus strand). Cytogenetic location: 9q32.
Variant type: single nucleotide variant.
Coding change: c.744G>A on transcript NM_015404.4 (MANE Select); coding-DNA position 744, G replaced by A.
Protein change: p.Ser248=; no amino-acid change (serine 248 retained).
Molecular consequence: synonymous variant. On other transcripts: 5 prime UTR variant (1).
Genome position (GRCh38, 1-based): chr9:114,478,646, C>T on the plus strand (G>A on the coding strand, the complement: WHRN is on the minus strand). VCF-style: chr9-114478646-C-T. GRCh37 (hg19) VCF-style: chr9-117240926-C-T.
Other names: c.-406G>A (NM_001083885.3); c.744G>A, p.Ser248= (NM_001173425.2).
Identifiers: ClinVar variation 45682 (VCV000045682.9), dbSNP rs397517259, ClinGen allele CA136930.